The following is an entry in ClinVar:

ClinVar aggregate classification (germline): Benign. Review status: criteria provided, multiple submitters, no conflicts (2 of 4 stars). 3 submissions from 3 submitters: Benign (2). 1 of the submissions does not count toward it. Last evaluated 2018-09-11.

Conditions:
MYO16-related disorder. Also called: MYO16-related condition.

Allele frequency attached by ClinVar (database versions not stated): gnomAD exomes 0.00033 and 0.00073; ExAC 0.00097; 1000 Genomes Project 30x 0.00172; 1000 Genomes Project 0.00180; gnomAD 0.00250 and 0.00273; TOPMed 0.00299; ESP Exome Variant Server 0.00369.
gnomAD v4.1: 876 of 1,614,196 alleles (0.054%); highest among the groups gnomAD compares: African/African-American, 0.85%; 5 homozygotes.

Submissions (3):

Labcorp Genetics (formerly Invitae), Labcorp
Classification: Benign. Last evaluated: 2018-09-11. Review status: criteria provided, single submitter. Criteria: Invitae Variant Classification Sherloc (09022015). Collection method: clinical testing. Allele origin: germline.

Breakthrough Genomics
Classification: Benign. Review status: criteria provided, single submitter. Criteria: ACMG Guidelines, 2015. Collection method: not provided. Allele origin: germline. Inheritance: Unknown mechanism. Affected: yes.

PreventionGenetics, part of Exact Sciences
Classification: Benign for MYO16-related condition. Last evaluated: 2019-03-25. Review status: no assertion criteria provided. Collection method: clinical testing. Allele origin: germline. Not counted in ClinVar's aggregate classification.
Comment: This variant is classified as benign based on ACMG/AMP sequence variant interpretation guidelines (Richards et al. 2015 PMID: 25741868, with internal and published modifications).

NM_001198950.3(MYO16):c.5529C>T (p.His1843=)

Gene: MYO16 (myosin XVI; plus strand). Cytogenetic location: 13q33.3.
Variant type: single nucleotide variant.
Coding change: c.5529C>T on transcript NM_001198950.3 (MANE Select); coding-DNA position 5529, C replaced by T.
Protein change: p.His1843=; no amino-acid change (histidine 1843 retained).
Molecular consequence: synonymous variant.
Genome position (GRCh38, 1-based): chr13:109,206,722, C>T. VCF-style: chr13-109206722-C-T. GRCh37 (hg19) VCF-style: chr13-109859070-C-T.
Other names: c.5463C>T, p.His1821= (NM_015011.3).
Identifiers: ClinVar variation 730992 (VCV000730992.6), dbSNP rs147886111, ClinGen allele CA7045973.